The following is an entry in ClinVar:

NM_004393.6(DAG1):c.695A>G (p.Asn232Ser)

Gene: DAG1 (dystroglycan 1; plus strand). Cytogenetic location: 3p21.31.
Variant type: single nucleotide variant.
Coding change: c.695A>G on transcript NM_004393.6 (MANE Select); coding-DNA position 695, A replaced by G.
Protein change: p.Asn232Ser; replaces asparagine 232 with serine.
Molecular consequence: missense variant.
Genome position (GRCh38, 1-based): chr3:49,531,206, A>G. VCF-style: chr3-49531206-A-G. GRCh37 (hg19) VCF-style: chr3-49568639-A-G.
Other names: c.695A>G, p.Asn232Ser (NM_001165928.4, NM_001177634.3, NM_001177635.3 and 9 more transcripts); short protein forms N232S.
Identifiers: ClinVar variation 284520 (VCV000284520.14), dbSNP rs779274447, ClinGen allele CA2398946.

ClinVar aggregate classification (germline): Uncertain significance. Review status: criteria provided, multiple submitters, no conflicts (2 of 4 stars). 3 submissions from 3 submitters: Uncertain significance (3). Last evaluated 2024-12-30.

Conditions:
Autosomal recessive limb-girdle muscular dystrophy type 2P. Also called: MUSCULAR DYSTROPHY, LIMB-GIRDLE, TYPE 2P; Limb-Girdle Muscular Dystrophy Type 9C; MUSCULAR DYSTROPHY-DYSTROGLYCANOPATHY, LIMB-GIRDLE, DAG1-RELATED. Identifiers: Orphanet 280333, MedGen C4511963, MONDO:0013440, OMIM 613818.
Muscular dystrophy-dystroglycanopathy (congenital with brain and eye anomalies), type A9. Also called: WALKER-WARBURG SYNDROME OR MUSCLE-EYE BRAIN DISEASE, DAG1-RELATED; Muscular dystrophy-dystroglycanopathy (congenital with brain and eye anomalies), type a, 9. Identifiers: Orphanet 370997, Orphanet 899, MedGen C4225291, MONDO:0014683, OMIM 616538.

Allele frequency attached by ClinVar (database versions not stated): ExAC 0.00001; gnomAD exomes 0.00001; gnomAD 0.00002; TOPMed 0.00003.
gnomAD v4.1: 25 of 1,614,074 alleles (0.0015%); highest among the groups gnomAD compares: Middle Eastern, 0.033%; no homozygotes.

Submissions (3):

Labcorp Genetics (formerly Invitae), Labcorp
Classification: Uncertain significance for Autosomal recessive limb-girdle muscular dystrophy type 2P; Muscular dystrophy-dystroglycanopathy (congenital with brain and eye anomalies), type A9. Last evaluated: 2024-12-30. Review status: criteria provided, single submitter. Criteria: Invitae Variant Classification Sherloc (09022015). Collection method: clinical testing. Allele origin: germline.
Comment: This sequence change replaces asparagine, which is neutral and polar, with serine, which is neutral and polar, at codon 232 of the DAG1 protein (p.Asn232Ser). This variant is present in population databases (rs779274447, gnomAD 0.002%). This variant has not been reported in the literature in individuals affected with DAG1-related conditions. ClinVar contains an entry for this variant (Variation ID: 284520). Invitae Evidence Modeling of protein sequence and biophysical properties (such as structural, functional, and spatial information, amino acid conservation, physicochemical variation, residue mobility, and thermodynamic stability) indicates that this missense variant is not expected to disrupt DAG1 protein function with a negative predictive value of 80%. Algorithms developed to predict the effect of sequence changes on RNA splicing suggest that this variant may create or strengthen a splice site. In summary, the available evidence is currently insufficient to determine the role of this variant in disease. Therefore, it has been classified as a Variant of Uncertain Significance.

Revvity Omics, Revvity
Classification: Uncertain significance. Last evaluated: 2023-01-18. Review status: criteria provided, single submitter. Criteria: ACMG Guidelines, 2015. Collection method: clinical testing. Allele origin: germline.

Eurofins Ntd Llc (ga)
Classification: Uncertain significance. Last evaluated: 2015-11-10. Review status: criteria provided, single submitter. Criteria: EGL Classification Definitions 2015. Collection method: clinical testing. Allele origin: germline. Observed: 1 variant allele, 1 heterozygote.